The following is an entry in ClinVar:

ClinVar aggregate classification (germline): Uncertain significance (1 of 4 stars; one submission).

Submission:

GeneDx
Classification: Uncertain significance. Last evaluated: 2024-08-02. Review status: criteria provided, single submitter. Criteria: GeneDx Variant Classification Process June 2021. Collection method: clinical testing. Allele origin: germline. Affected: yes.
Comment: Not observed at significant frequency in large population cohorts (gnomAD); In silico analysis supports that this missense variant has a deleterious effect on protein structure/function; Has not been previously published as pathogenic or benign to our knowledge; This variant is associated with the following publications: (PMID: 26503042, 26138142, 25168514)

NM_002047.4(GARS1):c.1754T>A (p.Met585Lys)

Gene: GARS1 (glycyl-tRNA synthetase 1; plus strand). Cytogenetic location: 7p14.3.
Variant type: single nucleotide variant.
Coding change: c.1754T>A on transcript NM_002047.4 (MANE Select); coding-DNA position 1754, T replaced by A.
Protein change: p.Met585Lys; replaces methionine 585 with lysine.
Molecular consequence: missense variant.
Genome position (GRCh38, 1-based): chr7:30,628,614, T>A. VCF-style: chr7-30628614-T-A. GRCh37 (hg19) VCF-style: chr7-30668230-T-A.
Other names: c.1592T>A, p.Met531Lys (NM_001316772.1); short protein forms M531K, M585K.
Identifiers: ClinVar variation 3602519 (VCV003602519.1).
Genomic context (GRCh38, chr7:30,628,614, plus strand): 5'-TTTCAGTGGAAGAAGTTGTTCCGAATGTAATTGAACCTTCCTTCGGCCTGGGTAGGATCA[T>A]GTATACGGTATTTGAACATACATTCCATGTACGAGAAGGAGATGAACAGAGAACAGTAAG-3'
Protein context (NP_002038.2, residues 575-595): IEPSFGLGRI[Met585Lys]YTVFEHTFHV